The following is an entry in ClinVar:

ClinVar aggregate classification (germline): Uncertain significance. Review status: criteria provided, multiple submitters, no conflicts (2 of 4 stars). 2 submissions from 2 submitters: Uncertain significance (2). Last evaluated 2025-09-28.

Conditions:
Inborn genetic diseases. Identifiers: MedGen C0950123, MeSH D030342.

gnomAD v4.1: 8 of 1,614,022 alleles (0.0005%); highest among the groups gnomAD compares: East Asian, 0.0067%; no homozygotes.

Submissions (2):

Ambry Genetics
Classification: Uncertain significance for Inborn genetic diseases. Last evaluated: 2025-09-28. Review status: criteria provided, single submitter. Criteria: Ambry Variant Classification Scheme 2023. Collection method: clinical testing. Allele origin: germline.

Labcorp Genetics (formerly Invitae), Labcorp
Classification: Uncertain significance. Last evaluated: 2022-08-19. Review status: criteria provided, single submitter. Criteria: Invitae Variant Classification Sherloc (09022015). Collection method: clinical testing. Allele origin: germline.
Comment: This sequence change replaces phenylalanine, which is neutral and non-polar, with isoleucine, which is neutral and non-polar, at codon 603 of the EIF2B5 protein (p.Phe603Ile). This variant is present in population databases (no rsID available, gnomAD 0.01%). This variant has not been reported in the literature in individuals affected with EIF2B5-related conditions. Advanced modeling of protein sequence and biophysical properties (such as structural, functional, and spatial information, amino acid conservation, physicochemical variation, residue mobility, and thermodynamic stability) performed at Invitae indicates that this missense variant is not expected to disrupt EIF2B5 protein function. In summary, the available evidence is currently insufficient to determine the role of this variant in disease. Therefore, it has been classified as a Variant of Uncertain Significance.

NM_003907.3(EIF2B5):c.1807T>A (p.Phe603Ile)

Gene: EIF2B5 (eukaryotic translation initiation factor 2B subunit epsilon; plus strand). Cytogenetic location: 3q27.1.
Variant type: single nucleotide variant.
Coding change: c.1807T>A on transcript NM_003907.3 (MANE Select); coding-DNA position 1807, T replaced by A.
Protein change: p.Phe603Ile; replaces phenylalanine 603 with isoleucine.
Molecular consequence: missense variant.
Genome position (GRCh38, 1-based): chr3:184,143,503, T>A. VCF-style: chr3-184143503-T-A. GRCh37 (hg19) VCF-style: chr3-183861291-T-A.
Other names: c.1807T>A (NM_003907.2); short protein forms F603I.
Identifiers: ClinVar variation 2146022 (VCV002146022.2), dbSNP rs1196960014, ClinGen allele CA355393359.